The following is an entry in ClinVar:

NM_001042492.3(NF1):c.1142T>C (p.Val381Ala)

Gene: NF1 (neurofibromin 1; plus strand). Cytogenetic location: 17q11.2.
Variant type: single nucleotide variant.
Coding change: c.1142T>C on transcript NM_001042492.3 (MANE Select); coding-DNA position 1142, T replaced by C.
Protein change: p.Val381Ala; replaces valine 381 with alanine.
Molecular consequence: missense variant.
Genome position (GRCh38, 1-based): chr17:31,201,116, T>C. VCF-style: chr17-31201116-T-C. GRCh37 (hg19) VCF-style: chr17-29528134-T-C.
Other names: c.1142T>C, p.Val381Ala (NM_000267.4, NM_001128147.3); short protein forms V381A.
Identifiers: ClinVar variation 4056901 (VCV004056901.1).

ClinVar aggregate classification (germline): Uncertain significance (1 of 4 stars; one submission).

Submission:

GeneDx
Classification: Uncertain significance. Last evaluated: 2025-01-03. Review status: criteria provided, single submitter. Criteria: GeneDx Variant Classification Process June 2021. Collection method: clinical testing. Allele origin: germline. Affected: yes.
Comment: Not observed at significant frequency in large population cohorts (gnomAD); In silico analysis supports that this missense variant has a deleterious effect on protein structure/function; Has not been previously published as pathogenic or benign to our knowledge